The following is an entry in ClinVar:

ClinVar aggregate classification (germline): Uncertain significance (1 of 4 stars; one submission).

Submission:

Labcorp Genetics (formerly Invitae), Labcorp
Classification: Uncertain significance. Last evaluated: 2024-11-05. Review status: criteria provided, single submitter. Criteria: Invitae Variant Classification Sherloc (09022015). Collection method: clinical testing. Allele origin: germline.
Comment: This sequence change replaces proline, which is neutral and non-polar, with arginine, which is basic and polar, at codon 955 of the TTLL5 protein (p.Pro955Arg). This variant is not present in population databases (gnomAD no frequency). This variant has not been reported in the literature in individuals affected with TTLL5-related conditions. ClinVar contains an entry for this variant (Variation ID: 2010166). Invitae Evidence Modeling of protein sequence and biophysical properties (such as structural, functional, and spatial information, amino acid conservation, physicochemical variation, residue mobility, and thermodynamic stability) indicates that this missense variant is not expected to disrupt TTLL5 protein function with a negative predictive value of 80%. In summary, the available evidence is currently insufficient to determine the role of this variant in disease. Therefore, it has been classified as a Variant of Uncertain Significance.

NM_015072.5(TTLL5):c.2864C>G (p.Pro955Arg)

Gene: TTLL5 (tubulin tyrosine ligase like 5; plus strand). Cytogenetic location: 14q24.3.
Variant type: single nucleotide variant.
Coding change: c.2864C>G on transcript NM_015072.5 (MANE Select); coding-DNA position 2864, C replaced by G.
Protein change: p.Pro955Arg; replaces proline 955 with arginine.
Molecular consequence: missense variant.
Genome position (GRCh38, 1-based): chr14:75,783,408, C>G. VCF-style: chr14-75783408-C-G. GRCh37 (hg19) VCF-style: chr14-76249751-C-G.
Other names: short protein forms P955R.
Identifiers: ClinVar variation 2010166 (VCV002010166.4), dbSNP rs2503309876, ClinGen allele CA390472526.